The following is an entry in ClinVar:

ClinVar aggregate classification (germline): Uncertain significance (1 of 4 stars; one submission).

Conditions:
Arrhythmogenic right ventricular dysplasia 9 (ARVD9). Also called: Arrhythmogenic Right Ventricular Dysplasia/Cardiomyopathy 9; ARRHYTHMOGENIC RIGHT VENTRICULAR DYSPLASIA, FAMILIAL, 9. Identifiers: MedGen C1836906, MONDO:0012180, OMIM 609040.

Submission:

Labcorp Genetics (formerly Invitae), Labcorp
Classification: Uncertain significance for Arrhythmogenic right ventricular dysplasia 9. Last evaluated: 2025-11-03. Review status: criteria provided, single submitter. Criteria: Invitae Variant Classification Sherloc (09022015). Collection method: clinical testing. Allele origin: germline.
Comment: This sequence change replaces threonine, which is neutral and polar, with alanine, which is neutral and non-polar, at codon 559 of the PKP2 protein (p.Thr559Ala). This variant is not present in population databases (gnomAD no frequency). This variant has not been reported in the literature in individuals affected with PKP2-related conditions. An algorithm developed to predict the effect of missense changes on protein structure and function (PolyPhen-2) suggests that this variant is likely to be disruptive. In summary, the available evidence is currently insufficient to determine the role of this variant in disease. Therefore, it has been classified as a Variant of Uncertain Significance.

NM_001005242.3(PKP2):c.1543A>G (p.Thr515Ala)

Gene: PKP2 (plakophilin 2; minus strand). Cytogenetic location: 12p11.21.
Variant type: single nucleotide variant.
Coding change: c.1543A>G on transcript NM_001005242.3 (MANE Select); coding-DNA position 1543, A replaced by G.
Protein change: p.Thr515Ala; replaces threonine 515 with alanine.
Molecular consequence: missense variant.
Genome position (GRCh38, 1-based): chr12:32,841,041, T>C on the plus strand (A>G on the coding strand, the complement: PKP2 is on the minus strand). VCF-style: chr12-32841041-T-C. GRCh37 (hg19) VCF-style: chr12-32993975-T-C.
Other names: c.1543A>G, p.Thr515Ala (NM_001407155.1, NM_001407156.1, NM_001407161.1); c.1675A>G, p.Thr559Ala (NM_001407157.1, NM_004572.4); c.1216A>G, p.Thr406Ala (NM_001407158.1, NM_001407159.1, NM_001407160.1 and 1 more transcripts); short protein forms T406A, T515A, T559A.
Identifiers: ClinVar variation 4730405 (VCV004730405.1).